The following is an entry in ClinVar:

ClinVar aggregate classification (germline): Uncertain significance. Review status: criteria provided, multiple submitters, no conflicts (2 of 4 stars). 5 submissions from 5 submitters: Uncertain significance (5). Last evaluated 2025-08-27.

Conditions:
Cardiomyopathy (CMYO). Also called: Cardiomyopathies. Identifiers: Orphanet 167848, MedGen C0878544, MONDO:0004994, HP:0001638. Inheritance: Various modes of inheritance.
Catecholaminergic polymorphic ventricular tachycardia (CVPT). Also called: Catecholamine-induced polymorphic ventricular tachycardia. Identifiers: Orphanet 3286, MedGen C5574922, MONDO:0017990.
Catecholaminergic polymorphic ventricular tachycardia 1. Also called: RYR2-Related Catecholaminergic Polymorphic Ventricular Tachycardia; VENTRICULAR TACHYCARDIA, CATECHOLAMINERGIC POLYMORPHIC, 1, WITH OR WITHOUT ATRIAL DYSFUNCTION AND/OR DILATED CARDIOMYOPATHY; VENTRICULAR TACHYCARDIA, STRESS-INDUCED POLYMORPHIC 1. Identifiers: Orphanet 3286, MedGen C1631597, MONDO:0011484, OMIM 604772.

Allele frequency attached by ClinVar (database versions not stated): gnomAD exomes 0.00001; TOPMed 0.00001.
gnomAD v4.1: 7 of 1,613,956 alleles (0.00043%); highest among the groups gnomAD compares: Non-Finnish European, 0.00059%; no homozygotes.

Submissions (5):

Color Diagnostics, LLC DBA Color Health
Classification: Uncertain significance for Cardiomyopathy. Last evaluated: 2025-08-27. Review status: criteria provided, single submitter. Criteria: ACMG Guidelines, 2015. Collection method: clinical testing. Allele origin: germline.
Comment: This missense variant replaces serine with alanine at codon 1756 of the RYR2 protein. Computational prediction suggests that this variant may not impact protein structure and function. To our knowledge, functional studies have not been reported for this variant. This variant has not been reported in individuals affected with RYR2-related disorders in the literature. This variant has not been identified in the general population by the Genome Aggregation Database (gnomAD). The available evidence is insufficient to determine the role of this variant in disease conclusively. Therefore, this variant is classified as a Variant of Uncertain Significance.

ARUP Laboratories, Molecular Genetics and Genomics, ARUP Laboratories
Classification: Uncertain significance. Last evaluated: 2025-05-09. Review status: criteria provided, single submitter. Criteria: ARUP Molecular Germline Variant Investigation Process 2024. Collection method: clinical testing. Allele origin: germline.
Comment: The RYR2 c.5266T>G; p.Ser1756Ala variant (rs1038625350, ClinVar Variation ID: 1007138), is reported in a cohort tested for catecholaminergic polymorphic ventricular tachycardia-related disorders (Landstrom 2017). This variant is also absent from the Genome Aggregation Database (v2.1.1), indicating it is not a common polymorphism. Computational analyses are uncertain whether this variant is neutral or deleterious (REVEL: 0.33). Due to limited information, the clinical significance of this variant is uncertain at this time. References: Landstrom AP et al. Interpreting Incidentally Identified Variants in Genes Associated With Catecholaminergic Polymorphic Ventricular Tachycardia in a Large Cohort of Clinical Whole-Exome Genetic Test Referrals. Circ Arrhythm Electrophysiol. 2017 Apr;10(4):e004742.PMID: 28404607.

Labcorp Genetics (formerly Invitae), Labcorp
Classification: Uncertain significance for Catecholaminergic polymorphic ventricular tachycardia 1. Last evaluated: 2024-11-13. Review status: criteria provided, single submitter. Criteria: Invitae Variant Classification Sherloc (09022015). Collection method: clinical testing. Allele origin: germline.
Comment: This sequence change replaces serine, which is neutral and polar, with alanine, which is neutral and non-polar, at codon 1756 of the RYR2 protein (p.Ser1756Ala). This variant is not present in population databases (gnomAD no frequency). This variant has not been reported in the literature in individuals affected with RYR2-related conditions. ClinVar contains an entry for this variant (Variation ID: 1007138). Invitae Evidence Modeling of protein sequence and biophysical properties (such as structural, functional, and spatial information, amino acid conservation, physicochemical variation, residue mobility, and thermodynamic stability) indicates that this missense variant is not expected to disrupt RYR2 protein function with a negative predictive value of 95%. In summary, the available evidence is currently insufficient to determine the role of this variant in disease. Therefore, it has been classified as a Variant of Uncertain Significance.

All of Us Research Program, National Institutes of Health
Classification: Uncertain significance for Catecholaminergic polymorphic ventricular tachycardia. Last evaluated: 2023-05-31. Review status: criteria provided, single submitter. Criteria: ACMG Guidelines, 2015. Collection method: clinical testing. Allele origin: germline. Inheritance: Autosomal dominant inheritance. Observed: 1 variant allele, 1 heterozygote.
Comment: This study involves interpretation of variants in research participants for the purpose of population health screening. Participant phenotype was not available at the time of variant classification. Additional details can be found in publication PMID: 35346344, PMCID: PMC8962531

GeneDx
Classification: Uncertain significance. Last evaluated: 2022-11-22. Review status: criteria provided, single submitter. Criteria: GeneDx Variant Classification Process June 2021. Collection method: clinical testing. Allele origin: germline. Affected: yes.
Comment: Not observed at significant frequency in large population cohorts (gnomAD); In silico analysis supports that this missense variant does not alter protein structure/function; Not located in one of the three hot-spot regions of the RYR2 gene, where the majority of pathogenic missense variants occur (Medeiros-Domingo et al., 2009); Has not been previously published as pathogenic or benign to our knowledge; This variant is associated with the following publications: (PMID: 19926015)

NM_001035.3(RYR2):c.5266T>G (p.Ser1756Ala)

Gene: RYR2 (ryanodine receptor 2; plus strand). Cytogenetic location: 1q43.
Variant type: single nucleotide variant.
Coding change: c.5266T>G on transcript NM_001035.3 (MANE Select); coding-DNA position 5266, T replaced by G.
Protein change: p.Ser1756Ala; replaces serine 1756 with alanine.
Molecular consequence: missense variant.
Genome position (GRCh38, 1-based): chr1:237,614,394, T>G. VCF-style: chr1-237614394-T-G. GRCh37 (hg19) VCF-style: chr1-237777694-T-G.
Other names: c.5266T>G (NM_001035.2); short protein forms S1756A.
Identifiers: ClinVar variation 1007138 (VCV001007138.13), dbSNP rs1038625350, ClinGen allele CA39828215.